The following is an entry in ClinVar:

NM_003072.5(SMARCA4):c.3951+2T>C

Gene: SMARCA4 (SWI/SNF related BAF chromatin remodeling complex subunit ATPase 4; plus strand). Cytogenetic location: 19p13.2.
Variant type: single nucleotide variant.
Coding change: c.3951+2T>C on transcript NM_003072.5 (MANE Select); the canonical splice donor site of the intron after coding-DNA position 3951, T replaced by C.
Molecular consequence: splice donor variant.
Genome position (GRCh38, 1-based): chr19:11,034,202, T>C. VCF-style: chr19-11034202-T-C. GRCh37 (hg19) VCF-style: chr19-11144878-T-C.
Other names: c.3951+2T>C (NM_001128844.3, NM_001128849.3, NM_001387283.1); c.3852+2T>C (NM_001128847.4, NM_001411150.1, NM_001374457.1 and 3 more transcripts).
Identifiers: ClinVar variation 537819 (VCV000537819.12), dbSNP rs1555785056, ClinGen allele CA404067971.
Genomic context (GRCh38, chr19:11,034,202, plus strand): 5'-ACGACGAGACCGTCAACCAGATGATCGCCCGGCACGAGGAGGAGTTTGATCTGTTCATGG[T>C]AAGCGCTGCAGGCTGGATGGGGCAGTTCAGGCATCCCACTCTGCTGCCACCAGGAGCAAA-3'

ClinVar aggregate classification (germline): Likely pathogenic. Review status: criteria provided, multiple submitters, no conflicts (2 of 4 stars). 2 submissions from 2 submitters: Likely pathogenic (2). Last evaluated 2019-02-03.

Conditions:
Hereditary cancer-predisposing syndrome. Also called: Tumor predisposition; Hereditary Cancer Syndrome; Hereditary neoplastic syndrome; Neoplastic Syndromes, Hereditary. Identifiers: Orphanet 140162, MedGen C0027672, MeSH D009386, MONDO:0015356.
Rhabdoid tumor predisposition syndrome 2 (RTPS2). Identifiers: Orphanet 231108, Orphanet 69077, MedGen C2750074, MONDO:0013224, OMIM 613325.

Allele frequency attached by ClinVar (database versions not stated): gnomAD exomes below 0.00001.
gnomAD v4.1: 3 of 1,612,450 alleles (0.00019%); highest among the groups gnomAD compares: Non-Finnish European, 0.00025%; no homozygotes.

Submissions (2):

Labcorp Genetics (formerly Invitae), Labcorp
Classification: Likely pathogenic for Rhabdoid tumor predisposition syndrome 2. Last evaluated: 2019-02-03. Review status: criteria provided, single submitter. Criteria: Invitae Variant Classification Sherloc (09022015). Collection method: clinical testing. Allele origin: germline.
Comment: In summary, the currently available evidence indicates that the variant is pathogenic, but additional data are needed to prove that conclusively. Therefore, this variant has been classified as Likely Pathogenic. Donor and acceptor splice site variants typically lead to a loss of protein function (PMID: 16199547), and loss-of-function variants in SMARCA4 are known to be pathogenic (PMID: 24658001, 24658002). Algorithms developed to predict the effect of sequence changes on RNA splicing suggest that this variant may disrupt the consensus splice site, but this prediction has not been confirmed by published transcriptional studies. This variant has not been reported in the literature in individuals with SMARCA4-related conditions. ClinVar contains an entry for this variant (Variation ID: 537819). This variant is not present in population databases (ExAC no frequency). This sequence change affects a donor splice site in intron 28 of the SMARCA4 gene. It is expected to disrupt RNA splicing and likely results in an absent or disrupted protein product.

Ambry Genetics
Classification: Likely pathogenic for Hereditary cancer-predisposing syndrome. Last evaluated: 2017-08-23. Review status: criteria provided, single submitter. Criteria: Ambry Variant Classification Scheme 2023. Collection method: clinical testing. Allele origin: germline.
Comment: The c.3951+2T>C intronic variant results from a T to C substitution two nucleotides after coding exon 27 in the SMARCA4 gene. This nucleotide position is highly conserved in available vertebrate species. Using the BDGP and ESEfinder splice site prediction tools, this alteration is predicted to abolish and weaken the native splice donor site; however, direct evidence is unavailable. Alterations that disrupt the canonical splice site are expected to cause aberrant splicing, resulting in an abnormal protein or a transcript that is subject to nonsense-mediated mRNA decay. As such, this alteration is classified as likely pathogenic.

Literature cited by the submitters: PubMed 16199547 (cited by Labcorp Genetics (formerly Invitae), Labcorp); PubMed 24658001 (cited by Labcorp Genetics (formerly Invitae), Labcorp); PubMed 24658002 (cited by Labcorp Genetics (formerly Invitae), Labcorp).